The following is an entry in ClinVar:

NM_000551.4(VHL):c.588del (p.Asp197fs)

Genes: VHL (von Hippel-Lindau tumor suppressor; plus strand), LOC107303340 (3p25 von Hippel-Lindau tumor suppressor, E3 ubiquitin protein ligase Alu-mediated recombination region; plus strand). Cytogenetic location: 3p25.3.
Variant type: Deletion.
Coding change: c.588del on transcript NM_000551.4 (MANE Select); coding-DNA position 588, one base deleted (A; older notation c.588delA).
Protein change: p.Asp197fs; shifts the reading frame from aspartic acid 197.
Molecular consequence: frameshift variant. On other transcripts: 3 prime UTR variant (1).
Genome position (GRCh38, 1-based): chr3:10,149,911, A deleted; the last of 3 consecutive A bases (chr3:10,149,909-10,149,911); deleting any one gives the same sequence. VCF-style (leftmost placement, unchanged base first): chr3-10149908-GA-G. GRCh37 (hg19) VCF-style: chr3-10191592-GA-G.
Other names: c.*142del (NM_001354723.2); c.465del, p.Asp156fs (NM_198156.3); short protein forms D156fs, D197fs.
Identifiers: ClinVar variation 1750305 (VCV001750305.2), dbSNP rs864321640, ClinGen allele CA432423790.

ClinVar aggregate classification (germline): Likely pathogenic (1 of 4 stars; one submission).

Conditions:
Hereditary cancer-predisposing syndrome. Also called: Hereditary Cancer Syndrome; Hereditary neoplastic syndrome; Neoplastic Syndromes, Hereditary; Tumor predisposition. Identifiers: Orphanet 140162, MedGen C0027672, MeSH D009386, MONDO:0015356.

Submission:

Ambry Genetics
Classification: Likely pathogenic for Hereditary cancer-predisposing syndrome. Last evaluated: 2018-06-08. Review status: criteria provided, single submitter. Criteria: Ambry Variant Classification Scheme 2023. Collection method: clinical testing. Allele origin: germline.
Comment: The c.588delA variant, located in coding exon 3 of the VHL gene, results from a deletion of one nucleotide at nucleotide position 588, causing a translational frameshift with a predicted alternate stop codon (p.D197Tfs*5). A different nucleotide substitution (c.589delG) resulting in the same frameshift was identified in a family with suspected VHL disease; specific features included retinal angioma and young onset renal cell carcinoma (Ong KR et al. Hum. Mutat. 2007 Feb;28:143-9). This alteration is expected to result in loss of function by premature protein truncation. Based on the majority of available evidence to date, this variant is likely to be pathogenic.

Literature cited by the submitters: PubMed 17024664.